The following is an entry in ClinVar:

ClinVar aggregate classification (germline): Uncertain significance (1 of 4 stars; one submission).

Allele frequency attached by ClinVar (database versions not stated): gnomAD exomes below 0.00001; gnomAD 0.00001; TOPMed 0.00001.
gnomAD v4.1: 3 of 1,612,172 alleles (0.00019%); highest among the groups gnomAD compares: African/African-American, 0.0013%; no homozygotes.

Submission:

Labcorp Genetics (formerly Invitae), Labcorp
Classification: Uncertain significance. Last evaluated: 2021-10-14. Review status: criteria provided, single submitter. Criteria: Invitae Variant Classification Sherloc (09022015). Collection method: clinical testing. Allele origin: germline.
Comment: This sequence change replaces asparagine with aspartic acid at codon 114 of the TSFM protein (p.Asn114Asp). The asparagine residue is highly conserved and there is a small physicochemical difference between asparagine and aspartic acid. This variant is not present in population databases (ExAC no frequency). This variant has not been reported in the literature in individuals affected with TSFM-related conditions. Algorithms developed to predict the effect of missense changes on protein structure and function output the following: SIFT: "Tolerated"; PolyPhen-2: "Benign"; Align-GVGD: "Class C0". The aspartic acid amino acid residue is found in multiple mammalian species, which suggests that this missense change does not adversely affect protein function. In summary, the available evidence is currently insufficient to determine the role of this variant in disease. Therefore, it has been classified as a Variant of Uncertain Significance.

NM_005726.6(TSFM):c.340A>G (p.Asn114Asp)

Gene: TSFM (Ts translation elongation factor, mitochondrial; plus strand). Cytogenetic location: 12q14.1.
Variant type: single nucleotide variant.
Coding change: c.340A>G on transcript NM_005726.6 (MANE Select); coding-DNA position 340, A replaced by G.
Protein change: p.Asn114Asp; replaces asparagine 114 with aspartic acid.
Molecular consequence: missense variant.
Genome position (GRCh38, 1-based): chr12:57,786,271, A>G. VCF-style: chr12-57786271-A-G. GRCh37 (hg19) VCF-style: chr12-58180054-A-G.
Other names: c.340A>G, p.Asn114Asp (NM_001172695.2, NM_001172696.2, NM_001172697.2); short protein forms N114D.
Identifiers: ClinVar variation 1495001 (VCV001495001.5), dbSNP rs1267278017, ClinGen allele CA385525634.